The following is an entry in ClinVar:

NM_000701.8(ATP1A1):c.327T>G (p.Ile109Met)

Gene: ATP1A1 (ATPase Na+/K+ transporting subunit alpha 1; plus strand). Cytogenetic location: 1p13.1.
Variant type: single nucleotide variant.
Coding change: c.327T>G on transcript NM_000701.8 (MANE Select); coding-DNA position 327, T replaced by G.
Protein change: p.Ile109Met; replaces isoleucine 109 with methionine.
Molecular consequence: missense variant.
Genome position (GRCh38, 1-based): chr1:116,387,431, T>G. VCF-style: chr1-116387431-T-G. GRCh37 (hg19) VCF-style: chr1-116930053-T-G.
Other names: c.327T>G, p.Ile109Met (NM_001160233.2); c.234T>G, p.Ile78Met (NM_001160234.2); short protein forms I109M, I78M.
Identifiers: ClinVar variation 3625096 (VCV003625096.2).

ClinVar aggregate classification (germline): Uncertain significance (1 of 4 stars; one submission).

Submission:

Labcorp Genetics (formerly Invitae), Labcorp
Classification: Uncertain significance. Last evaluated: 2024-04-26. Review status: criteria provided, single submitter. Criteria: Invitae Variant Classification Sherloc (09022015). Collection method: clinical testing. Allele origin: germline.
Comment: This sequence change replaces isoleucine, which is neutral and non-polar, with methionine, which is neutral and non-polar, at codon 109 of the ATP1A1 protein (p.Ile109Met). This variant is not present in population databases (gnomAD no frequency). This variant has not been reported in the literature in individuals affected with ATP1A1-related conditions. Advanced modeling of protein sequence and biophysical properties (such as structural, functional, and spatial information, amino acid conservation, physicochemical variation, residue mobility, and thermodynamic stability) performed at Invitae indicates that this missense variant is not expected to disrupt ATP1A1 protein function with a negative predictive value of 80%. In summary, the available evidence is currently insufficient to determine the role of this variant in disease. Therefore, it has been classified as a Variant of Uncertain Significance.